The following is an entry in ClinVar:

ClinVar aggregate classification (germline): Benign/Likely benign. Review status: criteria provided, multiple submitters, no conflicts (2 of 4 stars). 23 submissions from 22 submitters: Benign (10); Likely benign (7). 6 of the submissions do not count toward it. Last evaluated 2026-09-01.

Conditions:
RYR2-related disorder. Also called: RYR2-related condition.
Cardiovascular phenotype. Identifiers: MedGen CN230736.
Catecholaminergic polymorphic ventricular tachycardia (CVPT). Also called: Catecholamine-induced polymorphic ventricular tachycardia. Identifiers: Orphanet 3286, MedGen C5574922, MONDO:0017990.
Cardiomyopathy (CMYO). Also called: Cardiomyopathies. Identifiers: Orphanet 167848, MedGen C0878544, MONDO:0004994, HP:0001638. Inheritance: Various modes of inheritance.
Catecholaminergic polymorphic ventricular tachycardia 1. Also called: VENTRICULAR TACHYCARDIA, STRESS-INDUCED POLYMORPHIC 1; RYR2-Related Catecholaminergic Polymorphic Ventricular Tachycardia; VENTRICULAR TACHYCARDIA, CATECHOLAMINERGIC POLYMORPHIC, 1, WITH OR WITHOUT ATRIAL DYSFUNCTION AND/OR DILATED CARDIOMYOPATHY. Identifiers: Orphanet 3286, MedGen C1631597, MONDO:0011484, OMIM 604772.
Arrhythmogenic right ventricular dysplasia 2. Identifiers: MedGen C1832931.

Allele frequency attached by ClinVar (database versions not stated): gnomAD 0.00264 and 0.00276; gnomAD exomes 0.00299 and 0.00300; ESP Exome Variant Server 0.00238; TOPMed 0.00315; 1000 Genomes Project 0.00339; ExAC 0.00468; 1000 Genomes Project 30x 0.00375.
gnomAD v4.1: 4,766 of 1,583,958 alleles (0.3%); highest among the groups gnomAD compares: Middle Eastern, 0.73%; 19 homozygotes.

Submissions (23):

CeGaT Center for Human Genetics Tuebingen
Classification: Benign. Last evaluated: 2026-09-01. Review status: criteria provided, single submitter. Criteria: CeGaT Center For Human Genetics Tuebingen Variant Classification Criteria Version 2. Collection method: clinical testing. Allele origin: germline. Affected: yes. Observed: 37 variant alleles.
Comment: RYR2: BP4, BS1, BS2

Labcorp Genetics (formerly Invitae), Labcorp
Classification: Benign for Catecholaminergic polymorphic ventricular tachycardia 1. Last evaluated: 2026-02-03. Review status: criteria provided, single submitter. Criteria: Invitae Variant Classification Sherloc (09022015). Collection method: clinical testing. Allele origin: germline.

Mayo Clinic Laboratories, Mayo Clinic
Classification: Benign. Last evaluated: 2025-10-03. Review status: criteria provided, single submitter. Criteria: ACMG Guidelines, 2015. Collection method: clinical testing. Allele origin: germline. Observed: 9 variant alleles.
Comment: BS1, BS2, BP4, BP7

ARUP Laboratories, Molecular Genetics and Genomics, ARUP Laboratories
Classification: Benign. Last evaluated: 2025-06-02. Review status: criteria provided, single submitter. Criteria: ARUP Molecular Germline Variant Investigation Process 2024. Collection method: clinical testing. Allele origin: germline.

Molecular Diagnostic Laboratory for Inherited Cardiovascular Disease, Montreal Heart Institute
Classification: Benign. Last evaluated: 2025-04-09. Review status: criteria provided, single submitter. Criteria: ACMG Guidelines, 2015. Collection method: clinical testing. Allele origin: germline. Affected: no.

Blueprint Genetics
Classification: Likely benign. Last evaluated: 2024-10-29. Review status: criteria provided, single submitter. Criteria: ACMG Guidelines, 2015. Collection method: clinical testing. Allele origin: germline.

All of Us Research Program, National Institutes of Health
Classification: Likely benign for Catecholaminergic polymorphic ventricular tachycardia. Last evaluated: 2024-02-05. Review status: criteria provided, single submitter. Criteria: ACMG Guidelines, 2015. Collection method: clinical testing. Allele origin: germline. Inheritance: Autosomal dominant inheritance. Observed: 723 variant alleles, 721 heterozygotes, 2 homozygotes.
Comment: This study involves interpretation of variants in research participants for the purpose of population health screening. Participant phenotype was not available at the time of variant classification. Additional details can be found in publication PMID: 35346344, PMCID: PMC8962531

Color Diagnostics, LLC DBA Color Health
Classification: Likely benign for Cardiomyopathy. Last evaluated: 2018-03-08. Review status: criteria provided, single submitter. Criteria: ACMG Guidelines, 2015. Collection method: clinical testing. Allele origin: germline.

Illumina Laboratory Services, Illumina
Classification: Likely benign for Catecholaminergic polymorphic ventricular tachycardia 1. Last evaluated: 2018-01-12. Review status: criteria provided, single submitter. Criteria: ICSL Variant Classification Criteria 13 December 2019. Collection method: clinical testing. Allele origin: germline.
Comment: This variant was observed in the ICSL laboratory as part of a predisposition screen in an ostensibly healthy population. It had not been previously curated by ICSL or reported in the Human Gene Mutation Database (HGMD: prior to June 1st, 2018), and was therefore a candidate for classification through an automated scoring system. Utilizing variant allele frequency, disease prevalence and penetrance estimates, and inheritance mode, an automated score was calculated to assess if this variant is too frequent to cause the disease. Based on the score and internal cut-off values, a variant classified as likely benign is not then subjected to further curation. The score for this variant resulted in a classification of likely benign for this disease.

Illumina Laboratory Services, Illumina
Classification: Benign for Catecholaminergic polymorphic ventricular tachycardia 1. Last evaluated: 2018-01-12. Review status: criteria provided, single submitter. Criteria: ICSL Variant Classification Criteria 13 December 2019. Collection method: clinical testing. Allele origin: germline.
Comment: This variant was observed in the ICSL laboratory as part of a predisposition screen in an ostensibly healthy population. It had not been previously curated by ICSL or reported in the Human Gene Mutation Database (HGMD: prior to June 1st, 2018), and was therefore a candidate for classification through an automated scoring system. Utilizing variant allele frequency, disease prevalence and penetrance estimates, and inheritance mode, an automated score was calculated to assess if this variant is too frequent to cause the disease. Based on the score and internal cut-off values, a variant classified as benign is not then subjected to further curation. The score for this variant resulted in a classification of benign for this disease.

CHEO Genetics Diagnostic Laboratory, Children's Hospital of Eastern Ontario
Classification: Benign for Cardiomyopathy. Last evaluated: 2017-01-09. Review status: criteria provided, single submitter. Criteria: ACMG Guidelines, 2015. Collection method: clinical testing. Allele origin: germline. Study: Canadian Open Genetics Repository.

Ambry Genetics
Classification: Likely benign for Cardiovascular phenotype. Last evaluated: 2016-05-31. Review status: criteria provided, single submitter. Criteria: Ambry Variant Classification Scheme 2023. Collection method: clinical testing. Allele origin: germline.

Laboratory for Molecular Medicine, Mass General Brigham Personalized Medicine
Classification: Benign. Last evaluated: 2015-03-24. Review status: criteria provided, single submitter. Criteria: LMM Criteria. Collection method: clinical testing. Allele origin: germline. Observed: 14 variant alleles.
Comment: p.Asn3418Asn in exon 71 of RYR2: This variant is not expected to have clinical s ignificance because it has been identified in 0.9% (104/11788) of South Asian ch romosomes by the Exome Aggregation Consortium (ExAC. org; dbSNP rs138073811).

GeneDx
Classification: Benign. Last evaluated: 2015-03-03. Review status: criteria provided, single submitter. Criteria: GeneDx Variant Classification Process June 2021. Collection method: clinical testing. Allele origin: germline. Affected: yes.

Eurofins Ntd Llc (ga)
Classification: Benign. Last evaluated: 2015-01-17. Review status: criteria provided, single submitter. Criteria: EGL Classification Definitions 2015. Collection method: clinical testing. Allele origin: germline. Observed: 2 variant alleles, 2 heterozygotes.

Women's Health and Genetics/Laboratory Corporation of America, LabCorp
Classification: Likely benign for Cardiomyopathy. Last evaluated: 2011-08-18. Review status: criteria provided, single submitter. Criteria: LabCorp Variant Classification Summary - May 2015. Collection method: curation. Allele origin: germline. Inheritance: autosomal unknown. Affected: yes.
ClinVar note: Converted during submission from likely benign to Likely benign.

Breakthrough Genomics
Classification: Likely benign. Review status: criteria provided, single submitter. Criteria: ACMG Guidelines, 2015. Collection method: not provided. Allele origin: germline. Inheritance: Autosomal dominant inheritance. Affected: yes.

PreventionGenetics, part of Exact Sciences
Classification: Benign for RYR2-related condition. Last evaluated: 2019-04-08. Review status: no assertion criteria provided. Collection method: clinical testing. Allele origin: germline. Not counted in ClinVar's aggregate classification.
Comment: This variant is classified as benign based on ACMG/AMP sequence variant interpretation guidelines (Richards et al. 2015 PMID: 25741868, with internal and published modifications).

Clinical Genetics DNA and cytogenetics Diagnostics Lab, Erasmus MC, Erasmus Medical Center
Classification: Likely benign. Review status: no assertion criteria provided. Collection method: clinical testing. Allele origin: germline. Affected: yes. Study: VKGL Data-share Consensus. Not counted in ClinVar's aggregate classification.

Clinical Genetics, Academic Medical Center
Classification: Benign. Review status: no assertion criteria provided. Collection method: clinical testing. Allele origin: germline. Affected: yes. Study: VKGL Data-share Consensus. Not counted in ClinVar's aggregate classification.

Diagnostic Laboratory, Department of Genetics, University Medical Center Groningen
Classification: Likely benign. Review status: no assertion criteria provided. Collection method: clinical testing. Allele origin: germline. Affected: yes. Study: VKGL Data-share Consensus. Not counted in ClinVar's aggregate classification.

Genome Diagnostics Laboratory, University Medical Center Utrecht
Classification: Benign. Review status: no assertion criteria provided. Collection method: clinical testing. Allele origin: germline. Affected: yes. Study: VKGL Data-share Consensus. Not counted in ClinVar's aggregate classification.

Joint Genome Diagnostic Labs from Nijmegen and Maastricht, Radboudumc and MUMC+
Classification: Benign. Review status: no assertion criteria provided. Collection method: clinical testing. Allele origin: germline. Affected: yes. Study: VKGL Data-share Consensus. Not counted in ClinVar's aggregate classification.

NM_001035.3(RYR2):c.10254C>T (p.Asn3418=)

Gene: RYR2 (ryanodine receptor 2; plus strand). Cytogenetic location: 1q43.
Variant type: single nucleotide variant.
Coding change: c.10254C>T on transcript NM_001035.3 (MANE Select); coding-DNA position 10254, C replaced by T.
Protein change: p.Asn3418=; no amino-acid change (asparagine 3418 retained).
Molecular consequence: synonymous variant.
Genome position (GRCh38, 1-based): chr1:237,711,768, C>T. VCF-style: chr1-237711768-C-T. GRCh37 (hg19) VCF-style: chr1-237875068-C-T.
Other names: p.Asn3418=.
Identifiers: ClinVar variation 36729 (VCV000036729.77), dbSNP rs138073811, ClinGen allele CA006580.